The following is an entry in ClinVar:

NM_000135.4(FANCA):c.3540_3545del (p.Leu1181_Leu1182del)

Gene: FANCA (FA complementation group A; minus strand). Cytogenetic location: 16q24.3.
Variant type: Deletion.
Coding change: c.3540_3545del on transcript NM_000135.4 (MANE Select); coding-DNA positions 3540 to 3545, 6 bases deleted (GCTGCT; older notation c.3540_3545delGCTGCT).
Protein change: p.Leu1181_Leu1182del.
Molecular consequence: inframe deletion.
Genome position (GRCh38, 1-based): chr16:89,745,040-89,745,045, AGCAGC deleted on the plus strand (GCTGCT on the coding strand, the reverse complement: FANCA is on the minus strand); deleting any 6 consecutive bases within chr16:89,745,040-89,745,046 gives the same sequence; the c. name uses the placement nearest the transcript's 3' end. VCF-style (leftmost placement, unchanged base first): chr16-89745039-GAGCAGC-G. GRCh37 (hg19) VCF-style: chr16-89811447-GAGCAGC-G.
Other names: c.3540_3545del, p.Leu1181_Leu1182del (NM_001286167.3).
Identifiers: ClinVar variation 2832011 (VCV002832011.3), dbSNP rs2038334989, ClinGen allele CA980432508.
Genomic context (GRCh38, chr16:89,745,039, plus strand): 5'-TTCTTGTAGCTTCTGCAGTTCCCGGGGCAGCGGGCTCTGGCAGTGTCTCCTCCACCGGCA[GAGCAGC>G]ACAGGCTCCAGGCTCGGCCACCACACCTATGGAGAGAGCACCAGCACACAGATGAGGGTG-3'

ClinVar aggregate classification (germline): Uncertain significance (1 of 4 stars; one submission).

Conditions:
Fanconi anemia (FA). Also called: Fanconi's anemia. Identifiers: Orphanet 84, MedGen C0015625, MeSH D005199, MONDO:0019391.

Submission:

Labcorp Genetics (formerly Invitae), Labcorp
Classification: Uncertain significance for Fanconi anemia. Last evaluated: 2024-04-10. Review status: criteria provided, single submitter. Criteria: Invitae Variant Classification Sherloc (09022015). Collection method: clinical testing. Allele origin: germline.
Comment: This variant, c.3540_3545del, results in the deletion of 2 amino acid(s) of the FANCA protein (p.Leu1181_Leu1182del), but otherwise preserves the integrity of the reading frame. This variant is not present in population databases (gnomAD no frequency). This variant has not been reported in the literature in individuals affected with FANCA-related conditions. Experimental studies and prediction algorithms are not available or were not evaluated, and the functional significance of this variant is currently unknown. In summary, the available evidence is currently insufficient to determine the role of this variant in disease. Therefore, it has been classified as a Variant of Uncertain Significance.